The following is an entry in ClinVar:

NM_015338.6(ASXL1):c.3949C>A (p.Pro1317Thr)

Gene: ASXL1 (ASXL transcriptional regulator 1; plus strand). Cytogenetic location: 20q11.21.
Variant type: single nucleotide variant.
Coding change: c.3949C>A on transcript NM_015338.6 (MANE Select); coding-DNA position 3949, C replaced by A.
Protein change: p.Pro1317Thr; replaces proline 1317 with threonine.
Molecular consequence: missense variant.
Genome position (GRCh38, 1-based): chr20:32,436,661, C>A. VCF-style: chr20-32436661-C-A. GRCh37 (hg19) VCF-style: chr20-31024464-C-A.
Other names: c.3766C>A, p.Pro1256Thr (NM_001363734.1); short protein forms P1317T, P1256T.
Identifiers: ClinVar variation 1352630 (VCV001352630.6), dbSNP rs560866003, ClinGen allele CA313926368.

ClinVar aggregate classification (germline): Uncertain significance (1 of 4 stars; one submission).

Allele frequency attached by ClinVar (database versions not stated): gnomAD exomes below 0.00001.
gnomAD v4.1: 14 of 1,614,038 alleles (0.00087%); highest among the groups gnomAD compares: African/African-American, 0.0053%; no homozygotes.

Submission:

Labcorp Genetics (formerly Invitae), Labcorp
Classification: Uncertain significance. Last evaluated: 2024-08-12. Review status: criteria provided, single submitter. Criteria: Invitae Variant Classification Sherloc (09022015). Collection method: clinical testing. Allele origin: germline.
Comment: This sequence change replaces proline, which is neutral and non-polar, with threonine, which is neutral and polar, at codon 1317 of the ASXL1 protein (p.Pro1317Thr). This variant is not present in population databases (gnomAD no frequency). This variant has not been reported in the literature in individuals affected with ASXL1-related conditions. ClinVar contains an entry for this variant (Variation ID: 1352630). An algorithm developed to predict the effect of missense changes on protein structure and function (PolyPhen-2) suggests that this variant is likely to be disruptive. In summary, the available evidence is currently insufficient to determine the role of this variant in disease. Therefore, it has been classified as a Variant of Uncertain Significance.